The following is an entry in ClinVar:

ClinVar aggregate classification (germline): Uncertain significance (1 of 4 stars; one submission).

Submission:

Labcorp Genetics (formerly Invitae), Labcorp
Classification: Uncertain significance. Last evaluated: 2023-10-13. Review status: criteria provided, single submitter. Criteria: Invitae Variant Classification Sherloc (09022015). Collection method: clinical testing. Allele origin: germline.
Comment: This sequence change falls in intron 41 of the NBAS gene. It does not directly change the encoded amino acid sequence of the NBAS protein. It affects a nucleotide within the consensus splice site. This variant is not present in population databases (gnomAD no frequency). This variant has not been reported in the literature in individuals affected with NBAS-related conditions. Variants that disrupt the consensus splice site are a relatively common cause of aberrant splicing (PMID: 17576681, 9536098). Algorithms developed to predict the effect of sequence changes on RNA splicing suggest that this variant may disrupt the consensus splice site. In summary, the available evidence is currently insufficient to determine the role of this variant in disease. Therefore, it has been classified as a Variant of Uncertain Significance.

Literature cited by the submitters: PubMed 17576681; PubMed 9536098.

NM_015909.4(NBAS):c.5027+5G>A

Gene: NBAS (NBAS subunit of NRZ tethering complex; minus strand). Cytogenetic location: 2p24.3.
Variant type: single nucleotide variant.
Coding change: c.5027+5G>A on transcript NM_015909.4 (MANE Select); 5 bases into the intron after coding-DNA position 5027, G replaced by A.
Molecular consequence: intron variant.
Genome position (GRCh38, 1-based): chr2:15,292,532, C>T on the plus strand (G>A on the coding strand, the complement: NBAS is on the minus strand). VCF-style: chr2-15292532-C-T. GRCh37 (hg19) VCF-style: chr2-15432656-C-T.
Identifiers: ClinVar variation 2768117 (VCV002768117.3), dbSNP rs1284928117, ClinGen allele CA2697547824.
Genomic context (GRCh38, chr2:15,292,532, plus strand): 5'-GGTAACTGAACTTATTCTTTTGCAGTTTAAATCCATCCCCTTATGAAACAAAGGGTATCA[C>T]TTACTCTGCCAGACCAAGGATAGTTTCCCTTTTATACTGGTCATCTGCAGTAAACCGCTG-3'